The following is an entry in ClinVar:

NM_001378120.1(MBD5):c.113+5G>A

Gene: MBD5 (methyl-CpG binding domain protein 5; plus strand). Cytogenetic location: 2q23.1.
Variant type: single nucleotide variant.
Coding change: c.113+5G>A on transcript NM_001378120.1 (MANE Select); 5 bases into the intron after coding-DNA position 113, G replaced by A.
Molecular consequence: intron variant.
Genome position (GRCh38, 1-based): chr2:148,458,876, G>A. VCF-style: chr2-148458876-G-A. GRCh37 (hg19) VCF-style: chr2-149216445-G-A.
Other names: c.113+5G>A (NM_018328.5).
Identifiers: ClinVar variation 2754732 (VCV002754732.4), dbSNP rs2469778466, ClinGen allele CA2661395191.

ClinVar aggregate classification (germline): Uncertain significance. Review status: criteria provided, multiple submitters, no conflicts (2 of 4 stars). 2 submissions from 2 submitters: Uncertain significance (2). Last evaluated 2024-12-14.

Conditions:
Intellectual developmental disorder, autosomal dominant 1. Also called: Intellectual disability, autosomal dominant 1; MBD5 Haploinsufficiency. Identifiers: Orphanet 228402, MedGen C1969562, MONDO:0007974, OMIM 156200.

Allele frequency attached by ClinVar (database versions not stated): gnomAD exomes below 0.00001.
gnomAD v4.1: 2 of 1,607,352 alleles (0.00012%); highest among the groups gnomAD compares: South Asian, 0.0011%; no homozygotes.

Submissions (2):

GeneDx
Classification: Uncertain significance. Last evaluated: 2024-12-14. Review status: criteria provided, single submitter. Criteria: GeneDx Variant Classification Process June 2021. Collection method: clinical testing. Allele origin: germline. Affected: yes.
Comment: Not observed at significant frequency in large population cohorts (gnomAD); Has not been previously published as pathogenic or benign to our knowledge; In silico analysis is inconclusive as to whether the variant alters gene splicing. In the absence of RNA/functional studies, the actual effect of this sequence change is unknown.

Labcorp Genetics (formerly Invitae), Labcorp
Classification: Uncertain significance for Intellectual developmental disorder, autosomal dominant 1. Last evaluated: 2023-12-08. Review status: criteria provided, single submitter. Criteria: Invitae Variant Classification Sherloc (09022015). Collection method: clinical testing. Allele origin: germline.
Comment: This sequence change falls in intron 6 of the MBD5 gene. It does not directly change the encoded amino acid sequence of the MBD5 protein. It affects a nucleotide within the consensus splice site. This variant is not present in population databases (gnomAD no frequency). This variant has not been reported in the literature in individuals affected with MBD5-related conditions. Variants that disrupt the consensus splice site are a relatively common cause of aberrant splicing (PMID: 17576681, 9536098). Algorithms developed to predict the effect of sequence changes on RNA splicing suggest that this variant may disrupt the consensus splice site. In summary, the available evidence is currently insufficient to determine the role of this variant in disease. Therefore, it has been classified as a Variant of Uncertain Significance.

Literature cited by the submitters: PubMed 17576681 (cited by Labcorp Genetics (formerly Invitae), Labcorp); PubMed 9536098 (cited by Labcorp Genetics (formerly Invitae), Labcorp).